The following is an entry in ClinVar:

NM_001371928.1(AHDC1):c.2185G>A (p.Gly729Arg)

Gene: AHDC1 (AT-hook DNA binding motif containing 1; minus strand). Cytogenetic location: 1p36.11.
Variant type: single nucleotide variant.
Coding change: c.2185G>A on transcript NM_001371928.1 (MANE Select); coding-DNA position 2185, G replaced by A.
Protein change: p.Gly729Arg; replaces glycine 729 with arginine.
Molecular consequence: missense variant.
Genome position (GRCh38, 1-based): chr1:27,549,931, C>T on the plus strand (G>A on the coding strand, the complement: AHDC1 is on the minus strand). VCF-style: chr1-27549931-C-T. GRCh37 (hg19) VCF-style: chr1-27876442-C-T.
Other names: c.2185G>A, p.Gly729Arg (NM_001029882.3); c.2185G>A (NM_001029882.2); short protein forms G729R.
Identifiers: ClinVar variation 2996351 (VCV002996351.4), dbSNP rs2019434301, ClinGen allele CA339232525.

ClinVar aggregate classification (germline): Uncertain significance. Review status: criteria provided, multiple submitters, no conflicts (2 of 4 stars). 2 submissions from 2 submitters: Uncertain significance (2). Last evaluated 2024-12-28.

Conditions:
Inborn genetic diseases. Identifiers: MedGen C0950123, MeSH D030342.

Allele frequency attached by ClinVar (database versions not stated): gnomAD 0.00002.
gnomAD v4.1: 10 of 1,613,374 alleles (0.00062%); highest among the groups gnomAD compares: East Asian, 0.0022%; no homozygotes.

Submissions (2):

Ambry Genetics
Classification: Uncertain significance for Inborn genetic diseases. Last evaluated: 2024-12-28. Review status: criteria provided, single submitter. Criteria: Ambry Variant Classification Scheme 2023. Collection method: clinical testing. Allele origin: germline.

Labcorp Genetics (formerly Invitae), Labcorp
Classification: Uncertain significance. Last evaluated: 2023-10-13. Review status: criteria provided, single submitter. Criteria: Invitae Variant Classification Sherloc (09022015). Collection method: clinical testing. Allele origin: germline.
Comment: This sequence change replaces glycine, which is neutral and non-polar, with arginine, which is basic and polar, at codon 729 of the AHDC1 protein (p.Gly729Arg). This variant is not present in population databases (gnomAD no frequency). This variant has not been reported in the literature in individuals affected with AHDC1-related conditions. An algorithm developed to predict the effect of missense changes on protein structure and function (PolyPhen-2) suggests that this variant is likely to be disruptive. In summary, the available evidence is currently insufficient to determine the role of this variant in disease. Therefore, it has been classified as a Variant of Uncertain Significance.